The following is an entry in ClinVar:

ClinVar aggregate classification (germline): Uncertain significance (1 of 4 stars; one submission).

Allele frequency attached by ClinVar (database versions not stated): gnomAD exomes below 0.00001.
gnomAD v4.1: 7 of 1,614,218 alleles (0.00043%); highest among the groups gnomAD compares: African/African-American, 0.004%; no homozygotes.

Submission:

Ambry Genetics
Classification: Uncertain significance. Last evaluated: 2023-11-02. Review status: criteria provided, single submitter. Criteria: Ambry Variant Classification Scheme 2023. Collection method: clinical testing. Allele origin: germline.
Comment: The p.E209K variant (also known as c.625G>A), located in coding exon 3 of the ALPK2 gene, results from a G to A substitution at nucleotide position 625. The glutamic acid at codon 209 is replaced by lysine, an amino acid with similar properties. This amino acid position is conserved. In addition, this alteration is predicted to be tolerated by in silico analysis. Since supporting evidence is limited at this time, the clinical significance of this alteration remains unclear.

NM_052947.4(ALPK2):c.625G>A (p.Glu209Lys)

Gene: ALPK2 (alpha kinase 2; minus strand). Cytogenetic location: 18q21.31.
Variant type: single nucleotide variant.
Coding change: c.625G>A on transcript NM_052947.4 (MANE Select); coding-DNA position 625, G replaced by A.
Protein change: p.Glu209Lys; replaces glutamic acid 209 with lysine.
Molecular consequence: missense variant.
Genome position (GRCh38, 1-based): chr18:58,580,151, C>T on the plus strand (G>A on the coding strand, the complement: ALPK2 is on the minus strand). VCF-style: chr18-58580151-C-T. GRCh37 (hg19) VCF-style: chr18-56247383-C-T.
Other names: short protein forms E209K.
Identifiers: ClinVar variation 1752489 (VCV001752489.2), dbSNP rs2518900021, ClinGen allele CA402567575.